The following is an entry in ClinVar:

ClinVar aggregate classification (germline): Uncertain significance. Review status: criteria provided, multiple submitters, no conflicts (2 of 4 stars). 2 submissions from 2 submitters: Uncertain significance (2). Last evaluated 2022-06-09.

Conditions:
Hereditary cancer-predisposing syndrome. Also called: Neoplastic Syndromes, Hereditary; Tumor predisposition; Hereditary Cancer Syndrome; Hereditary neoplastic syndrome. Identifiers: Orphanet 140162, MedGen C0027672, MeSH D009386, MONDO:0015356.

Submissions (2):

Ambry Genetics
Classification: Uncertain significance for Hereditary cancer-predisposing syndrome. Last evaluated: 2022-06-09. Review status: criteria provided, single submitter. Criteria: Ambry Variant Classification Scheme 2023. Collection method: clinical testing. Allele origin: germline.
Comment: The p.H621Y variant (also known as c.1861C>T), located in coding exon 14 of the SDHA gene, results from a C to T substitution at nucleotide position 1861. The histidine at codon 621 is replaced by tyrosine, an amino acid with similar properties. This amino acid position is conserved. In addition, the in silico prediction for this alteration is inconclusive. Since supporting evidence is limited at this time, the clinical significance of this alteration remains unclear.

Breakthrough Genomics
Classification: Uncertain significance. Review status: criteria provided, single submitter. Criteria: ACMG Guidelines, 2015. Collection method: not provided. Allele origin: germline. Inheritance: Autosomal recessive inheritance. Affected: yes.

NM_004168.4(SDHA):c.1861C>T (p.His621Tyr)

Gene: SDHA (succinate dehydrogenase complex flavoprotein subunit A; plus strand). Cytogenetic location: 5p15.33.
Variant type: single nucleotide variant.
Coding change: c.1861C>T on transcript NM_004168.4 (MANE Select); coding-DNA position 1861, C replaced by T.
Protein change: p.His621Tyr; replaces histidine 621 with tyrosine.
Molecular consequence: missense variant.
Genome position (GRCh38, 1-based): chr5:254,459, C>T. VCF-style: chr5-254459-C-T. GRCh37 (hg19) VCF-style: chr5-254574-C-T.
Other names: c.1717C>T, p.His573Tyr (NM_001294332.2); c.1618C>T, p.His540Tyr (NM_001330758.2); short protein forms H621Y, H540Y, H573Y.
Identifiers: ClinVar variation 1781511 (VCV001781511.3), dbSNP rs1554002475, ClinGen allele CA359001992.